The following is an entry in ClinVar:

ClinVar aggregate classification (germline): Uncertain significance (1 of 4 stars; one submission).

Conditions:
PLXNA4-related disorder. Also called: PLXNA4-related condition.

Submission:

PreventionGenetics, part of Exact Sciences
Classification: Uncertain significance for PLXNA4-related condition. Last evaluated: 2025-05-08. Review status: criteria provided, single submitter. Criteria: ACMG Guidelines, 2015. Collection method: clinical testing. Allele origin: germline.
Comment: The PLXNA4 c.4031G>C variant is predicted to result in the amino acid substitution p.Arg1344Pro. To our knowledge, this variant has not been reported in the literature or in a large population database (gnomAD), indicating this variant is rare. At this time, the clinical significance of this variant is uncertain due to the absence of conclusive functional and genetic evidence.

NM_020911.2(PLXNA4):c.4031G>C (p.Arg1344Pro)

Gene: PLXNA4 (plexin A4; minus strand). Cytogenetic location: 7q32.3.
Variant type: single nucleotide variant.
Coding change: c.4031G>C on transcript NM_020911.2 (MANE Select); coding-DNA position 4031, G replaced by C.
Protein change: p.Arg1344Pro; replaces arginine 1344 with proline.
Molecular consequence: missense variant.
Genome position (GRCh38, 1-based): chr7:132,168,559, C>G on the plus strand (G>C on the coding strand, the complement: PLXNA4 is on the minus strand). VCF-style: chr7-132168559-C-G. GRCh37 (hg19) VCF-style: chr7-131853318-C-G.
Other names: c.4031G>C, p.Arg1344Pro (NM_001393897.1); short protein forms R1344P.
Identifiers: ClinVar variation 4999653 (VCV004999653.1).